The following is an entry in ClinVar:

NM_001868.4(CPA1):c.1209G>A (p.Thr403=)

Gene: CPA1 (carboxypeptidase A1; plus strand). Cytogenetic location: 7q32.2.
Variant type: single nucleotide variant.
Coding change: c.1209G>A on transcript NM_001868.4 (MANE Select); coding-DNA position 1209, G replaced by A.
Protein change: p.Thr403=; no amino-acid change (threonine 403 retained).
Molecular consequence: synonymous variant.
Genome position (GRCh38, 1-based): chr7:130,387,960, G>A. VCF-style: chr7-130387960-G-A. GRCh37 (hg19) VCF-style: chr7-130027801-G-A.
Identifiers: ClinVar variation 731562 (VCV000731562.15), dbSNP rs113061008, ClinGen allele CA4485083.

ClinVar aggregate classification (germline): Benign/Likely benign. Review status: criteria provided, multiple submitters, no conflicts (2 of 4 stars). 4 submissions from 4 submitters: Benign (1); Likely benign (3). Last evaluated 2026-02-26.

Conditions:
CPA1-related disorder. Also called: CPA1-related condition.
Hereditary pancreatitis (PCTT). Also called: Hereditary chronic pancreatitis; PRSS1-Related Hereditary Pancreatitis. Identifiers: Orphanet 676, MedGen C0238339, MONDO:0008185, OMIM 167800.

Allele frequency attached by ClinVar (database versions not stated): gnomAD exomes 0.00023 and 0.00049; ExAC 0.00044; gnomAD 0.00128 and 0.00138; TOPMed 0.00131; ESP Exome Variant Server 0.00138; 1000 Genomes Project 0.00160; 1000 Genomes Project 30x 0.00187.

Submissions (4):

PreventionGenetics, part of Exact Sciences
Classification: Likely benign for CPA1-related condition. Last evaluated: 2026-02-26. Review status: criteria provided, single submitter. Criteria: ACMG Guidelines, 2015. Collection method: clinical testing. Allele origin: germline.
Comment: This variant is classified as likely benign based on ACMG/AMP sequence variant interpretation guidelines (Richards et al. 2015 PMID: 25741868, with internal and published modifications).

Labcorp Genetics (formerly Invitae), Labcorp
Classification: Benign. Last evaluated: 2026-01-10. Review status: criteria provided, single submitter. Criteria: Invitae Variant Classification Sherloc (09022015). Collection method: clinical testing. Allele origin: germline.

Blueprint Genetics
Classification: Likely benign. Last evaluated: 2024-10-09. Review status: criteria provided, single submitter. Criteria: ACMG Guidelines, 2015. Collection method: clinical testing. Allele origin: germline.

Ambry Genetics
Classification: Likely benign for Hereditary pancreatitis. Last evaluated: 2019-04-26. Review status: criteria provided, single submitter. Criteria: Ambry Variant Classification Scheme 2023. Collection method: clinical testing. Allele origin: germline.